The following is an entry in ClinVar:

ClinVar aggregate classification (germline): Likely pathogenic. Review status: criteria provided, multiple submitters, no conflicts (2 of 4 stars). 3 submissions from 2 submitters: Likely pathogenic (3). Last evaluated 2025-05-20.

Conditions:
Visceral myopathy 1 (VSCM1). Also called: Infantile visceral myopathy; ACTG2 Visceral Myopathy; Visceral myopathy. Identifiers: Orphanet 2604, MedGen C5542197, MONDO:0020754, OMIM 155310.
Intestinal obstruction. Identifiers: MedGen C0021843, MONDO:0004565, HP:0005214.

Allele frequency attached by ClinVar (database versions not stated): gnomAD exomes below 0.00001.
gnomAD v4.1: 2 of 1,613,018 alleles (0.00012%); highest among the groups gnomAD compares: South Asian, 0.0011%; no homozygotes.

Submissions (3):

Laboratoire de Génétique Moléculaire, CHU Bordeaux
Classification: Likely pathogenic for Visceral myopathy 1. Last evaluated: 2025-05-20. Review status: criteria provided, single submitter. Criteria: ACMG Guidelines, 2015. Collection method: clinical testing. Allele origin: germline. Affected: yes.

Seattle Children's Hospital Molecular Genetics Laboratory, Seattle Children's Hospital
Classification: Likely pathogenic for Intestinal obstruction. Last evaluated: 2021-07-06. Review status: criteria provided, single submitter. Criteria: ACMG Guidelines, 2015. Collection method: clinical testing. Allele origin: unknown. Inheritance: Autosomal dominant inheritance. Affected: yes. Observed: 1 variant allele, 1 heterozygote.
Comment: A heterozygous, likely pathogenic variant was identified in exon 5 of the ACTG2 gene (NM_001615.3:c.442C>T, p.Arg148Cys, chr2:g.74136257C>T ). The p.Arg148Cys replaces the arginine with cysteine at position 148 of the protein. This variant has been observed in a single allele in the Genome Aggregation Database (1 of 251,416 alleles; v2.1.1). This variant has not been reported in the medical literature, but different missense variants at the same position (p.Arg148Leu and p.Arg148Ser) have been reported as pathogenic. The p.Arg148Leu variant is reported in a single family with multiple individuals (n=4) diagnosed with chronic intestinal pseudo-obstruction (PMID: 29781137). These individuals were aged 20s-50s and all 4 reported symptoms of abdominal pain, distension, nausea, vomiting, and diarrhea. The p.Arg148Ser variant has been reported in at least 2 unrelated individuals, both with a positive family history of visceral myopathy (PMID: 22960657, 24777424).

Seattle Children's Hospital Molecular Genetics Laboratory, Seattle Children's Hospital
Classification: Likely pathogenic for Visceral myopathy 1. Review status: criteria provided, single submitter. Criteria: ACMG Guidelines, 2015. Collection method: clinical testing. Allele origin: germline. Affected: yes.
Comment: The p.Arg148Cys replaces the arginine with cysteine at position 148 of the protein. This variant has been observed once in large population studies (1 of 251,416 alleles; gnomAD v2.1.1). The p.Arg148Cys variant has been reported in one individual with intestinal pseudo-obstruction, gastrointestinal dysmotility and constipation (PMID: 37288276). The variant was reported to be inherited from an affected father, but no clinical details were provided. Different ACTG2 missense variants at the same position (p.Arg148Leu and p.Arg148Ser) have also been reported in the medical literature. The p.Arg148Leu variant was reported in one family with multiple individuals diagnosed with chronic intestinal pseudo-obstruction (PMID: 29781137). The p.Arg148Leu was also reported as a de novo change in an individual with pediatric intestinal pseudo-obstruction (PMID: 32810037). The p.Arg148Ser variant has been reported in multiple affected individuals, including one family where the variant was shown to segregate with the visceral myopathy phenotype (PMID: 22960657, PMID: 24777424).

Literature cited by the submitters: PubMed 29781137 (cited by Seattle Children's Hospital Molecular Genetics Laboratory, Seattle Children's Hospital); PubMed 22960657 (cited by Seattle Children's Hospital Molecular Genetics Laboratory, Seattle Children's Hospital); PubMed 24777424 (cited by Seattle Children's Hospital Molecular Genetics Laboratory, Seattle Children's Hospital).

NM_001615.4(ACTG2):c.442C>T (p.Arg148Cys)

Gene: ACTG2 (actin gamma 2, smooth muscle; plus strand). Cytogenetic location: 2p13.1.
Variant type: single nucleotide variant.
Coding change: c.442C>T on transcript NM_001615.4 (MANE Select); coding-DNA position 442, C replaced by T.
Protein change: p.Arg148Cys; replaces arginine 148 with cysteine.
Molecular consequence: missense variant.
Genome position (GRCh38, 1-based): chr2:73,909,130, C>T. VCF-style: chr2-73909130-C-T. GRCh37 (hg19) VCF-style: chr2-74136257-C-T.
Other names: c.313C>T, p.Arg105Cys (NM_001199893.2); short protein forms R105C, R148C.
Identifiers: ClinVar variation 1177291 (VCV001177291.3), dbSNP rs587777383, ClinGen allele CA347303262.